The following is an entry in ClinVar:

ClinVar aggregate classification (germline): Benign/Likely benign. Review status: criteria provided, multiple submitters, no conflicts (2 of 4 stars). 4 submissions from 4 submitters: Benign (1); Likely benign (3). Last evaluated 2025-04-10.

Conditions:
Hereditary cancer-predisposing syndrome. Also called: Neoplastic Syndromes, Hereditary; Tumor predisposition; Hereditary Cancer Syndrome; Hereditary neoplastic syndrome. Identifiers: Orphanet 140162, MedGen C0027672, MeSH D009386, MONDO:0015356.
Familial cancer of breast. Also called: BREAST CANCER, FAMILIAL; Hereditary breast cancer; hereditary breast carcinoma. Identifiers: Orphanet 227535, MedGen C0346153, MONDO:0016419, OMIM 114480. Disease mechanism: loss of function.

Allele frequency attached by ClinVar (database versions not stated): gnomAD exomes below 0.00001.

Submissions (4):

Ambry Genetics
Classification: Likely benign for Hereditary cancer-predisposing syndrome. Last evaluated: 2025-04-10. Review status: criteria provided, single submitter. Criteria: Ambry Variant Classification Scheme 2023. Collection method: clinical testing. Allele origin: germline.

Myriad Genetics, Inc.
Classification: Benign for Familial cancer of breast. Last evaluated: 2025-01-13. Review status: criteria provided, single submitter. Criteria: Myriad Autosomal Dominant, Autosomal Recessive and X-Linked Classification Criteria (2023). Collection method: clinical testing. Allele origin: unknown.
Comment: This variant is considered benign. This variant is a silent/synonymous amino acid change and it is not expected to impact splicing.

Labcorp Genetics (formerly Invitae), Labcorp
Classification: Likely benign for Familial cancer of breast. Last evaluated: 2022-01-14. Review status: criteria provided, single submitter. Criteria: Invitae Variant Classification Sherloc (09022015). Collection method: clinical testing. Allele origin: germline.

Color Diagnostics, LLC DBA Color Health
Classification: Likely benign for Hereditary cancer-predisposing syndrome. Last evaluated: 2019-10-03. Review status: criteria provided, single submitter. Criteria: ACMG Guidelines, 2015. Collection method: clinical testing. Allele origin: germline.

NM_024675.4(PALB2):c.951A>T (p.Thr317=)

Gene: PALB2 (partner and localizer of BRCA2; minus strand). Cytogenetic location: 16p12.2.
Variant type: single nucleotide variant.
Coding change: c.951A>T on transcript NM_024675.4 (MANE Select); coding-DNA position 951, A replaced by T.
Protein change: p.Thr317=; no amino-acid change (threonine 317 retained).
Molecular consequence: synonymous variant.
Genome position (GRCh38, 1-based): chr16:23,635,595, T>A on the plus strand (A>T on the coding strand, the complement: PALB2 is on the minus strand). VCF-style: chr16-23635595-T-A. GRCh37 (hg19) VCF-style: chr16-23646916-T-A.
Identifiers: ClinVar variation 918291 (VCV000918291.13), dbSNP rs1967006687, ClinGen allele CA494461850.
Genomic context (GRCh38, chr16:23,635,595, plus strand): 5'-TAAGTTATTGTAGGTGAGTTCATTTAGAGAACATGAAATATTTGCCTCTAAATTAGAACT[T>A]GTGGGCAGTTGGCCACTTTTACTTATAGCTTTATTTACAAGGAGGTTATCTGTAGAGACA-3'
Protein context (NP_078951.2, residues 307-327): KAISKSGQLP[Thr317=]SSNLEANISC